The following is an entry in ClinVar:

ClinVar aggregate classification (germline): Uncertain significance (1 of 4 stars; one submission).

gnomAD v4.1: 2 of 1,612,184 alleles (0.00012%); highest among the groups gnomAD compares: Non-Finnish European, 0.00017%; no homozygotes.

Submission:

Dasa
Classification: Uncertain significance. Last evaluated: 2025-03-12. Review status: criteria provided, single submitter. Criteria: DASA Assertion Criteria. Collection method: clinical testing. Allele origin: germline.
Comment: NM_006502.3(POLH):c.1232T>A (p.Ile411Asn) is a missense variant that results in the substitution of isoleucine with asparagine. This variant is rare in population databases. Computational prediction algorithms are consistent with a benign effect. The currently available literature and clinical evidence are not sufficient to establish a definitive association between this variant and the reported condition. Therefore, this variant is classified as a variant of uncertain significance.

NM_006502.3(POLH):c.1232T>A (p.Ile411Asn)

Gene: POLH (DNA polymerase eta; plus strand). Cytogenetic location: 6p21.1.
Variant type: single nucleotide variant.
Coding change: c.1232T>A on transcript NM_006502.3 (MANE Select); coding-DNA position 1232, T replaced by A.
Protein change: p.Ile411Asn; replaces isoleucine 411 with asparagine.
Molecular consequence: missense variant.
Genome position (GRCh38, 1-based): chr6:43,610,711, T>A. VCF-style: chr6-43610711-T-A. GRCh37 (hg19) VCF-style: chr6-43578448-T-A.
Other names: c.860T>A, p.Ile287Asn (NM_001291969.2); c.1232T>A, p.Ile411Asn (NM_001291970.2); short protein forms I287N, I411N.
Identifiers: ClinVar variation 5020982 (VCV005020982.1).
Genomic context (GRCh38, chr6:43,610,711, plus strand): 5'-ATGCTCACAAGATGAGCCATGATGCATTTACTGTCATCAAGAACTGTAATACTTCTGGAA[T>A]CCAGACAGAATGGTGAGTTCTTTTCTAGCTCATCTTCTCAGAATAGATGATGATTCTTAG-3'
Protein context (NP_006493.1, residues 401-421): TVIKNCNTSG[Ile411Asn]QTEWSPPLTM